The following is an entry in ClinVar:

NM_018060.4(IARS2):c.1947-20T>A

Gene: IARS2 (isoleucyl-tRNA synthetase 2, mitochondrial; plus strand). Cytogenetic location: 1q41.
Variant type: single nucleotide variant.
Coding change: c.1947-20T>A on transcript NM_018060.4 (MANE Select); 20 bases into the intron before coding-DNA position 1947, T replaced by A.
Molecular consequence: intron variant.
Genome position (GRCh38, 1-based): chr1:220,136,789, T>A. VCF-style: chr1-220136789-T-A. GRCh37 (hg19) VCF-style: chr1-220310131-T-A.
Identifiers: ClinVar variation 2098909 (VCV002098909.4), dbSNP rs2528571530, ClinGen allele CA2580062199.

ClinVar aggregate classification (germline): Uncertain significance (1 of 4 stars; one submission).

Submission:

Labcorp Genetics (formerly Invitae), Labcorp
Classification: Uncertain significance. Last evaluated: 2022-10-17. Review status: criteria provided, single submitter. Criteria: Invitae Variant Classification Sherloc (09022015). Collection method: clinical testing. Allele origin: germline.
Comment: In summary, the available evidence is currently insufficient to determine the role of this variant in disease. Therefore, it has been classified as a Variant of Uncertain Significance. Algorithms developed to predict the effect of sequence changes on RNA splicing suggest that this variant may disrupt the consensus splice site. This variant has not been reported in the literature in individuals affected with IARS2-related conditions. This variant is not present in population databases (gnomAD no frequency). This sequence change falls in intron 15 of the IARS2 gene. It does not directly change the encoded amino acid sequence of the IARS2 protein.